The following is an entry in ClinVar:

ClinVar aggregate classification (germline): Uncertain significance (1 of 4 stars; one submission).

Submission:

Labcorp Genetics (formerly Invitae), Labcorp
Classification: Uncertain significance. Last evaluated: 2024-08-19. Review status: criteria provided, single submitter. Criteria: Invitae Variant Classification Sherloc (09022015). Collection method: clinical testing. Allele origin: germline.
Comment: This sequence change replaces serine, which is neutral and polar, with leucine, which is neutral and non-polar, at codon 351 of the FH protein (p.Ser351Leu). This variant is present in population databases (no rsID available, gnomAD 0.003%). This variant has not been reported in the literature in individuals affected with FH-related conditions. Invitae Evidence Modeling of protein sequence and biophysical properties (such as structural, functional, and spatial information, amino acid conservation, physicochemical variation, residue mobility, and thermodynamic stability) indicates that this missense variant is expected to disrupt FH protein function with a positive predictive value of 95%. In summary, the available evidence is currently insufficient to determine the role of this variant in disease. Therefore, it has been classified as a Variant of Uncertain Significance.

NM_000143.4(FH):c.1052C>T (p.Ser351Leu)

Gene: FH (fumarate hydratase; minus strand). Cytogenetic location: 1q43.
Variant type: single nucleotide variant.
Coding change: c.1052C>T on transcript NM_000143.4 (MANE Select); coding-DNA position 1052, C replaced by T.
Protein change: p.Ser351Leu; replaces serine 351 with leucine.
Molecular consequence: missense variant.
Genome position (GRCh38, 1-based): chr1:241,504,098, G>A on the plus strand (C>T on the coding strand, the complement: FH is on the minus strand). VCF-style: chr1-241504098-G-A. GRCh37 (hg19) VCF-style: chr1-241667398-G-A.
Other names: short protein forms S351L.
Identifiers: ClinVar variation 3621020 (VCV003621020.2).